The following is an entry in ClinVar:

NM_006397.3(RNASEH2A):c.411+14A>G

Gene: RNASEH2A (ribonuclease H2 subunit A; plus strand). Cytogenetic location: 19p13.13.
Variant type: single nucleotide variant.
Coding change: c.411+14A>G on transcript NM_006397.3 (MANE Select); 14 bases into the intron after coding-DNA position 411, A replaced by G.
Molecular consequence: intron variant.
Genome position (GRCh38, 1-based): chr19:12,807,520, A>G. VCF-style: chr19-12807520-A-G. GRCh37 (hg19) VCF-style: chr19-12918334-A-G.
Identifiers: ClinVar variation 2130629 (VCV002130629.4), dbSNP rs2512890654, ClinGen allele CA2576637748.

ClinVar aggregate classification (germline): Uncertain significance (1 of 4 stars; one submission).

Conditions:
Aicardi-Goutieres syndrome 4. Identifiers: Orphanet 51, MedGen C1835912, MONDO:0012472, OMIM 610333.

Submission:

Labcorp Genetics (formerly Invitae), Labcorp
Classification: Uncertain significance for Aicardi-Goutieres syndrome 4. Last evaluated: 2022-04-25. Review status: criteria provided, single submitter. Criteria: Invitae Variant Classification Sherloc (09022015). Collection method: clinical testing. Allele origin: germline.
Comment: This variant is not present in population databases (gnomAD no frequency). This sequence change falls in intron 4 of the RNASEH2A gene. It does not directly change the encoded amino acid sequence of the RNASEH2A protein. This variant has not been reported in the literature in individuals affected with RNASEH2A-related conditions. Algorithms developed to predict the effect of sequence changes on RNA splicing suggest that this variant may disrupt the consensus splice site. In summary, the available evidence is currently insufficient to determine the role of this variant in disease. Therefore, it has been classified as a Variant of Uncertain Significance.